The following is an entry in ClinVar:

NM_001042424.3(NSD2):c.3508C>A (p.Pro1170Thr)

Gene: NSD2 (nuclear receptor binding SET domain protein 2; plus strand). Cytogenetic location: 4p16.3.
Variant type: single nucleotide variant.
Coding change: c.3508C>A on transcript NM_001042424.3 (MANE Select); coding-DNA position 3508, C replaced by A.
Protein change: p.Pro1170Thr; replaces proline 1170 with threonine.
Molecular consequence: missense variant.
Genome position (GRCh38, 1-based): chr4:1,974,998, C>A. VCF-style: chr4-1974998-C-A. GRCh37 (hg19) VCF-style: chr4-1976725-C-A.
Other names: c.3508C>A, p.Pro1170Thr (NM_133330.3, NM_133331.3, NM_133335.4); short protein forms P1170T.
Identifiers: ClinVar variation 3906311 (VCV003906311.1).
Genomic context (GRCh38, chr4:1,974,998, plus strand): 5'-ACCCTCAAGTGGACAGTGAATGGGGACACTCGTGTGGGCCTGTTTGCCGTCTGTGACATT[C>A]CTGCAGGTACAAGCTCTGGGGACCCTGCATGGGGCTCCTGGCTATGGGGGCAGAGTGGCC-3'
Protein context (NP_001035889.1, residues 1160-1180): RVGLFAVCDI[Pro1170Thr]AGTELTFNYN

ClinVar aggregate classification (germline): Uncertain significance (1 of 4 stars; one submission).

Submission:

GeneDx
Classification: Uncertain significance. Last evaluated: 2024-12-19. Review status: criteria provided, single submitter. Criteria: GeneDx Variant Classification Process June 2021. Collection method: clinical testing. Allele origin: germline. Affected: yes.
Comment: Not observed at significant frequency in large population cohorts (gnomAD); In silico analysis supports that this missense variant has a deleterious effect on protein structure/function; Has not been previously published as pathogenic or benign to our knowledge